The following is an entry in ClinVar:

NM_005609.4(PYGM):c.877C>T (p.Arg293Trp)

Gene: PYGM (glycogen phosphorylase, muscle associated; minus strand). Cytogenetic location: 11q13.1.
Variant type: single nucleotide variant.
Coding change: c.877C>T on transcript NM_005609.4 (MANE Select); coding-DNA position 877, C replaced by T.
Protein change: p.Arg293Trp; replaces arginine 293 with tryptophan.
Molecular consequence: missense variant.
Genome position (GRCh38, 1-based): chr11:64,754,815, G>A on the plus strand (C>T on the coding strand, the complement: PYGM is on the minus strand). VCF-style: chr11-64754815-G-A. GRCh37 (hg19) VCF-style: chr11-64522287-G-A.
Other names: p.Arg293Trp; c.613C>T, p.Arg205Trp (NM_001164716.1); short protein forms R293W, R205W.
Identifiers: ClinVar variation 305277 (VCV000305277.24), dbSNP rs558267822, ClinGen allele CA6080079.

ClinVar aggregate classification (germline): Conflicting classifications of pathogenicity. Review status: criteria provided, conflicting classifications (1 of 4 stars). 8 submissions from 8 submitters: Uncertain significance (6); Likely benign (1). 1 of the submissions does not count toward it. Last evaluated 2026-03-03.

Conditions:
Inborn genetic diseases. Identifiers: MedGen C0950123, MeSH D030342.
Glycogen storage disease, type V (GSD5). Also called: PYGM DEFICIENCY; McArdle type glycogen storage disease; MCARDLE DISEASE; MUSCLE GLYCOGEN PHOSPHORYLASE DEFICIENCY; MYOPHOSPHORYLASE DEFICIENCY. Identifiers: Orphanet 368, MedGen C0017924, MONDO:0009293, OMIM 232600.

Allele frequency attached by ClinVar (database versions not stated): gnomAD 0.00009 and 0.00020; gnomAD exomes 0.00016 and 0.00036; TOPMed 0.00021; ExAC 0.00041; 1000 Genomes Project 30x 0.00156; 1000 Genomes Project 0.00160.
gnomAD v4.1: 272 of 1,613,870 alleles (0.017%); highest among the groups gnomAD compares: South Asian, 0.23%; 2 homozygotes.

Submissions (8):

Women's Health and Genetics/Laboratory Corporation of America, LabCorp
Classification: Uncertain significance. Last evaluated: 2026-03-03. Review status: criteria provided, single submitter. Criteria: LabCorp Variant Classification Summary - May 2015. Collection method: clinical testing. Allele origin: germline.
Comment: Variant summary: PYGM c.877C>T (p.Arg293Trp) results in a non-conservative amino acid change in the encoded protein sequence. Algorithms developed to predict the effect of missense changes on protein structure and function all suggest that this variant is likely to be disruptive. The variant allele was found at a frequency of 0.00036 in 250324 control chromosomes. This frequency is not significantly higher than estimated for disease-causing variants in PYGM, allowing no conclusion about variant significance. To our knowledge, no occurrence of c.877C>T in individuals affected with PYGM-related conditions and no experimental evidence demonstrating its impact on protein function have been reported. ClinVar contains an entry for this variant (Variation ID: 305277). Based on the evidence outlined above, the variant was classified as uncertain significance.

Labcorp Genetics (formerly Invitae), Labcorp
Classification: Likely benign for Glycogen storage disease, type V. Last evaluated: 2026-01-27. Review status: criteria provided, single submitter. Criteria: Invitae Variant Classification Sherloc (09022015). Collection method: clinical testing. Allele origin: germline.

Revvity Omics, Revvity
Classification: Uncertain significance for Glycogen storage disease, type V. Last evaluated: 2025-01-23. Review status: criteria provided, single submitter. Criteria: ACMG Guidelines, 2015. Collection method: clinical testing. Allele origin: germline.

Mayo Clinic Laboratories, Mayo Clinic
Classification: Uncertain significance. Last evaluated: 2025-01-12. Review status: criteria provided, single submitter. Criteria: ACMG Guidelines, 2015. Collection method: clinical testing. Allele origin: germline. Observed: 1 variant allele.
Comment: PP3

Ambry Genetics
Classification: Uncertain significance for Inborn genetic diseases. Last evaluated: 2024-12-13. Review status: criteria provided, single submitter. Criteria: Ambry Variant Classification Scheme 2023. Collection method: clinical testing. Allele origin: germline.

GeneDx
Classification: Uncertain significance. Last evaluated: 2022-06-30. Review status: criteria provided, single submitter. Criteria: GeneDx Variant Classification Process June 2021. Collection method: clinical testing. Allele origin: germline. Affected: yes.
Comment: In silico analysis supports that this missense variant has a deleterious effect on protein structure/function; Has not been previously published as pathogenic or benign to our knowledge

Illumina Laboratory Services, Illumina
Classification: Uncertain significance for Glycogen storage disease, type V. Last evaluated: 2018-01-13. Review status: criteria provided, single submitter. Criteria: ICSL Variant Classification Criteria 13 December 2019. Collection method: clinical testing. Allele origin: germline.

Natera, Inc.
Classification: Uncertain significance for Glycogen storage disease V. Last evaluated: 2020-04-14. Review status: no assertion criteria provided. Collection method: clinical testing. Allele origin: germline. Not counted in ClinVar's aggregate classification.